The following is an entry in ClinVar:

NM_022047.4(DEF6):c.1766G>T (p.Gly589Val)

Gene: DEF6 (DEF6 guanine nucleotide exchange factor; plus strand). Cytogenetic location: 6p21.31.
Variant type: single nucleotide variant.
Coding change: c.1766G>T on transcript NM_022047.4 (MANE Select); coding-DNA position 1766, G replaced by T.
Protein change: p.Gly589Val; replaces glycine 589 with valine.
Molecular consequence: missense variant.
Genome position (GRCh38, 1-based): chr6:35,321,280, G>T. VCF-style: chr6-35321280-G-T. GRCh37 (hg19) VCF-style: chr6-35289057-G-T.
Other names: short protein forms G589V.
Identifiers: ClinVar variation 2007621 (VCV002007621.4), dbSNP rs2534194527, ClinGen allele CA363768973.

ClinVar aggregate classification (germline): Uncertain significance (1 of 4 stars; one submission).

Submission:

Labcorp Genetics (formerly Invitae), Labcorp
Classification: Uncertain significance. Last evaluated: 2022-06-17. Review status: criteria provided, single submitter. Criteria: Invitae Variant Classification Sherloc (09022015). Collection method: clinical testing. Allele origin: germline.
Comment: This variant is not present in population databases (gnomAD no frequency). This sequence change replaces glycine, which is neutral and non-polar, with valine, which is neutral and non-polar, at codon 589 of the DEF6 protein (p.Gly589Val). This variant has not been reported in the literature in individuals affected with DEF6-related conditions. In summary, the available evidence is currently insufficient to determine the role of this variant in disease. Therefore, it has been classified as a Variant of Uncertain Significance. Algorithms developed to predict the effect of missense changes on protein structure and function (SIFT, PolyPhen-2, Align-GVGD) all suggest that this variant is likely to be tolerated.